The following is an entry in ClinVar:

ClinVar aggregate classification (germline): Uncertain significance (1 of 4 stars; one submission).

Conditions:
TJP2-related disorder. Also called: TJP2-related condition.

Submission:

PreventionGenetics, part of Exact Sciences
Classification: Uncertain significance for TJP2-related condition. Last evaluated: 2024-12-30. Review status: criteria provided, single submitter. Criteria: ACMG Guidelines, 2015. Collection method: clinical testing. Allele origin: germline.
Comment: The TJP2 c.344T>C variant is predicted to result in the amino acid substitution p.Val115Ala. To our knowledge, this variant has not been reported in the literature or in a large population database (gnomAD), indicating this variant is rare. At this time, the clinical significance of this variant is uncertain due to the absence of conclusive functional and genetic evidence.

NM_004817.4(TJP2):c.344T>C (p.Val115Ala)

Gene: TJP2 (tight junction protein 2; plus strand). Cytogenetic location: 9q21.11.
Variant type: single nucleotide variant.
Coding change: c.344T>C on transcript NM_004817.4 (MANE Select); coding-DNA position 344, T replaced by C.
Protein change: p.Val115Ala; replaces valine 115 with alanine.
Molecular consequence: missense variant.
Genome position (GRCh38, 1-based): chr9:69,220,888, T>C. VCF-style: chr9-69220888-T-C. GRCh37 (hg19) VCF-style: chr9-71835804-T-C.
Other names: c.275T>C, p.Val92Ala (NM_001170414.2, NM_001369870.1, NM_001369871.1); c.356T>C, p.Val119Ala (NM_001170415.1, NM_001369874.1, NM_001369875.1); c.437T>C, p.Val146Ala (NM_001170416.2); c.344T>C, p.Val115Ala (NM_001369872.1, NM_001369873.1, NM_201629.3); short protein forms V119A, V115A, V92A, V146A.
Identifiers: ClinVar variation 4999415 (VCV004999415.1).